The following is an entry in ClinVar:

ClinVar aggregate classification (germline): Conflicting classifications of pathogenicity. Review status: criteria provided, conflicting classifications (1 of 4 stars). 3 submissions from 3 submitters: Uncertain significance (2); Likely benign (1). Last evaluated 2025-12-25.

Conditions:
Arrhythmogenic right ventricular dysplasia, familial, 14. Also called: ARRHYTHMOGENIC RIGHT VENTRICULAR CARDIOMYOPATHY 14. Identifiers: MedGen C5394505, MONDO:0030062, OMIM 618920.
Inborn genetic diseases. Identifiers: MedGen C0950123, MeSH D030342.

Allele frequency attached by ClinVar (database versions not stated): TOPMed 0.00002; gnomAD 0.00004 and 0.00003.

Submissions (3):

Labcorp Genetics (formerly Invitae), Labcorp
Classification: Uncertain significance. Last evaluated: 2025-12-25. Review status: criteria provided, single submitter. Criteria: Invitae Variant Classification Sherloc (09022015). Collection method: clinical testing. Allele origin: germline.
Comment: This sequence change replaces alanine, which is neutral and non-polar, with valine, which is neutral and non-polar, at codon 5 of the CDH2 protein (p.Ala5Val). This variant is present in population databases (no rsID available, gnomAD 0.01%). This variant has not been reported in the literature in individuals affected with CDH2-related conditions. ClinVar contains an entry for this variant (Variation ID: 1679772). An algorithm developed to predict the effect of missense changes on protein structure and function outputs the following: PolyPhen-2: "Benign". The valine amino acid residue is found in multiple mammalian species, which suggests that this missense change does not adversely affect protein function. In summary, the available evidence is currently insufficient to determine the role of this variant in disease. Therefore, it has been classified as a Variant of Uncertain Significance.

Ambry Genetics
Classification: Likely benign for Inborn genetic diseases. Last evaluated: 2024-08-11. Review status: criteria provided, single submitter. Criteria: Ambry Variant Classification Scheme 2023. Collection method: clinical testing. Allele origin: germline.

New York Genome Center
Classification: Uncertain significance for Arrhythmogenic right ventricular dysplasia, familial, 14. Last evaluated: 2021-04-30. Review status: criteria provided, single submitter. Criteria: NYGC Assertion Criteria 2020. Collection method: clinical testing. Allele origin: inherited. Observed: 1 heterozygote. Study: CSER-NYCKidSeq.

NM_001792.5(CDH2):c.14C>T (p.Ala5Val)

Gene: CDH2 (cadherin 2; minus strand). Cytogenetic location: 18q12.1.
Variant type: single nucleotide variant.
Coding change: c.14C>T on transcript NM_001792.5 (MANE Select); coding-DNA position 14, C replaced by T.
Protein change: p.Ala5Val; replaces alanine 5 with valine.
Molecular consequence: missense variant.
Genome position (GRCh38, 1-based): chr18:28,177,009, G>A on the plus strand (C>T on the coding strand, the complement: CDH2 is on the minus strand). VCF-style: chr18-28177009-G-A. GRCh37 (hg19) VCF-style: chr18-25756973-G-A.
Other names: c.14C>T (NM_001792.3); short protein forms A5V.
Identifiers: ClinVar variation 1679772 (VCV001679772.7), dbSNP rs1284853215, ClinGen allele CA402245134.